The following is an entry in ClinVar:

ClinVar aggregate classification (germline): Uncertain significance. Review status: criteria provided, multiple submitters, no conflicts (2 of 4 stars). 2 submissions from 2 submitters: Uncertain significance (2). Last evaluated 2025-06-18.

Conditions:
Cardiovascular phenotype. Identifiers: MedGen CN230736.
Catecholaminergic polymorphic ventricular tachycardia 1. Also called: VENTRICULAR TACHYCARDIA, CATECHOLAMINERGIC POLYMORPHIC, 1, WITH OR WITHOUT ATRIAL DYSFUNCTION AND/OR DILATED CARDIOMYOPATHY; VENTRICULAR TACHYCARDIA, STRESS-INDUCED POLYMORPHIC 1; RYR2-Related Catecholaminergic Polymorphic Ventricular Tachycardia. Identifiers: Orphanet 3286, MedGen C1631597, MONDO:0011484, OMIM 604772.

Allele frequency attached by ClinVar (database versions not stated): TOPMed below 0.00001; gnomAD exomes 0.00001; ExAC 0.00004.
gnomAD v4.1: 2 of 1,565,298 alleles (0.00013%); highest among the groups gnomAD compares: Non-Finnish European, 0.00017%; no homozygotes.

Submissions (2):

Labcorp Genetics (formerly Invitae), Labcorp
Classification: Uncertain significance for Catecholaminergic polymorphic ventricular tachycardia 1. Last evaluated: 2025-06-18. Review status: criteria provided, single submitter. Criteria: Invitae Variant Classification Sherloc (09022015). Collection method: clinical testing. Allele origin: germline.
Comment: This sequence change replaces leucine, which is neutral and non-polar, with valine, which is neutral and non-polar, at codon 114 of the RYR2 protein (p.Leu114Val). This variant is present in population databases (rs759271857, gnomAD 0.01%). This variant has not been reported in the literature in individuals affected with RYR2-related conditions. ClinVar contains an entry for this variant (Variation ID: 947410). Invitae Evidence Modeling of protein sequence and biophysical properties (such as structural, functional, and spatial information, amino acid conservation, physicochemical variation, residue mobility, and thermodynamic stability) has been performed for this missense variant. However, the output from this modeling did not meet the statistical confidence thresholds required to predict the impact of this variant on RYR2 protein function. In summary, the available evidence is currently insufficient to determine the role of this variant in disease. Therefore, it has been classified as a Variant of Uncertain Significance.

Ambry Genetics
Classification: Uncertain significance for Cardiovascular phenotype. Last evaluated: 2022-09-07. Review status: criteria provided, single submitter. Criteria: Ambry Variant Classification Scheme 2023. Collection method: clinical testing. Allele origin: germline.
Comment: The p.L114V variant (also known as c.340C>G), located in coding exon 6 of the RYR2 gene, results from a C to G substitution at nucleotide position 340. The leucine at codon 114 is replaced by valine, an amino acid with highly similar properties. This alteration has been reported in a catecholaminergic polymorphic ventricular tachycardia (CPVT) genetic testing cohort; however, clinical details were limited (Kapplinger JD et al. Circ Genom Precis Med, 2018 02;11:e001424). This amino acid position is highly conserved in available vertebrate species. In addition, the in silico prediction for this alteration is inconclusive. Since supporting evidence is limited at this time, the clinical significance of this alteration remains unclear.

Literature cited by the submitters: PubMed 29453246 (cited by Ambry Genetics).

NM_001035.3(RYR2):c.340C>G (p.Leu114Val)

Gene: RYR2 (ryanodine receptor 2; plus strand). Cytogenetic location: 1q43.
Variant type: single nucleotide variant.
Coding change: c.340C>G on transcript NM_001035.3 (MANE Select); coding-DNA position 340, C replaced by G.
Protein change: p.Leu114Val; replaces leucine 114 with valine.
Molecular consequence: missense variant.
Genome position (GRCh38, 1-based): chr1:237,369,564, C>G. VCF-style: chr1-237369564-C-G. GRCh37 (hg19) VCF-style: chr1-237532864-C-G.
Other names: short protein forms L114V.
Identifiers: ClinVar variation 947410 (VCV000947410.13), dbSNP rs759271857, ClinGen allele CA086364.
Genomic context (GRCh38, chr1:237,369,564, plus strand): 5'-TTGTTCTCCTTTTTTCTCTTCTCTCTAAAGACTGCTCAAGGTGGTGGTCATCGAACACTC[C>G]TCTACGGACATGCCATATTGCTGCGCCATTCCTATAGTGGCATGGTGAGTAGGCATTTGA-3'
Protein context (NP_001026.2, residues 104-124): TAQGGGHRTL[Leu114Val]YGHAILLRHS